The following is an entry in ClinVar:

ClinVar aggregate classification (germline): Benign. Review status: criteria provided, multiple submitters, no conflicts (2 of 4 stars). 5 submissions from 5 submitters: Benign (5). Last evaluated 2026-02-04.

Conditions:
Junctional epidermolysis bullosa. Identifiers: Orphanet 305, MedGen C0079301, MONDO:0017612.

Allele frequency attached by ClinVar (database versions not stated): 1000 Genomes Project 30x 0.11446; 1000 Genomes Project 0.11542; ESP Exome Variant Server 0.04096; ExAC 0.05761; gnomAD 0.05772 and 0.05904; TOPMed 0.07479.
gnomAD v4.1: 35,090 of 1,561,816 alleles (2.2%); highest among the groups gnomAD compares: East Asian, 26%; 2,908 homozygotes.

Submissions (5):

Labcorp Genetics (formerly Invitae), Labcorp
Classification: Benign. Last evaluated: 2026-02-04. Review status: criteria provided, single submitter. Criteria: Invitae Variant Classification Sherloc (09022015). Collection method: clinical testing. Allele origin: germline.

GeneDx
Classification: Benign. Last evaluated: 2021-12-12. Review status: criteria provided, single submitter. Criteria: GeneDx Variant Classification Process June 2021. Collection method: clinical testing. Allele origin: germline. Affected: yes.

Illumina Laboratory Services, Illumina
Classification: Benign for Junctional epidermolysis bullosa. Last evaluated: 2018-01-13. Review status: criteria provided, single submitter. Criteria: ICSL Variant Classification Criteria 13 December 2019. Collection method: clinical testing. Allele origin: germline.
Comment: This variant was observed in the ICSL laboratory as part of a predisposition screen in an ostensibly healthy population. It had not been previously curated by ICSL or reported in the Human Gene Mutation Database (HGMD: prior to June 1st, 2018), and was therefore a candidate for classification through an automated scoring system. Utilizing variant allele frequency, disease prevalence and penetrance estimates, and inheritance mode, an automated score was calculated to assess if this variant is too frequent to cause the disease. Based on the score and internal cut-off values, a variant classified as benign is not then subjected to further curation. The score for this variant resulted in a classification of benign for this disease.

Breakthrough Genomics
Classification: Benign. Review status: criteria provided, single submitter. Criteria: ACMG Guidelines, 2015. Collection method: not provided. Allele origin: germline. Inheritance: Autosomal recessive inheritance. Affected: yes.

PreventionGenetics, part of Exact Sciences
Classification: Benign. Review status: criteria provided, single submitter. Criteria: ACMG Guidelines, 2015. Collection method: clinical testing. Allele origin: germline.

NM_000228.3(LAMB3):c.1149G>A (p.Pro383=)

Gene: LAMB3 (laminin subunit beta 3; minus strand). Cytogenetic location: 1q32.2.
Variant type: single nucleotide variant.
Coding change: c.1149G>A on transcript NM_000228.3 (MANE Select); coding-DNA position 1149, G replaced by A.
Protein change: p.Pro383=; no amino-acid change (proline 383 retained).
Molecular consequence: synonymous variant.
Genome position (GRCh38, 1-based): chr1:209,628,174, C>T on the plus strand (G>A on the coding strand, the complement: LAMB3 is on the minus strand). VCF-style: chr1-209628174-C-T. GRCh37 (hg19) VCF-style: chr1-209801519-C-T.
Other names: c.1149G>A, p.Pro383= (NM_001017402.2, NM_001127641.1).
Identifiers: ClinVar variation 255582 (VCV000255582.16), dbSNP rs2076351, ClinGen allele CA1375676.